The following is an entry in ClinVar:

NM_025179.4(PLXNA2):c.1522G>A (p.Val508Met)

Gene: PLXNA2 (plexin A2; minus strand). Cytogenetic location: 1q32.2.
Variant type: single nucleotide variant.
Coding change: c.1522G>A on transcript NM_025179.4 (MANE Select); coding-DNA position 1522, G replaced by A.
Protein change: p.Val508Met; replaces valine 508 with methionine.
Molecular consequence: missense variant.
Genome position (GRCh38, 1-based): chr1:208,103,232, C>T on the plus strand (G>A on the coding strand, the complement: PLXNA2 is on the minus strand). VCF-style: chr1-208103232-C-T. GRCh37 (hg19) VCF-style: chr1-208276577-C-T.
Other names: short protein forms V508M.
Identifiers: ClinVar variation 1902884 (VCV001902884.5), dbSNP rs567426643, ClinGen allele CA344559204.
Genomic context (GRCh38, chr1:208,103,232, plus strand): 5'-AGTGAGGGTCCCCAGAGCTCAGGCACTCCCCACAAGTCGTATACTGCTCACATGACTCCA[C>T]GGGGACCCTGGTGACCTGGCAGAGAGAGCAAAGAGGGTACAGTGAGGTTAGGCTGTGACG-3'
Protein context (NP_079455.3, residues 498-518): MSERQVTRVP[Val508Met]ESCEQYTTCG

ClinVar aggregate classification (germline): Uncertain significance (1 of 4 stars; one submission).

Allele frequency attached by ClinVar (database versions not stated): TOPMed below 0.00001.
gnomAD v4.1: 8 of 1,613,634 alleles (0.0005%); highest among the groups gnomAD compares: African/African-American, 0.0027%; no homozygotes.

Submission:

Labcorp Genetics (formerly Invitae), Labcorp
Classification: Uncertain significance. Last evaluated: 2024-10-22. Review status: criteria provided, single submitter. Criteria: Invitae Variant Classification Sherloc (09022015). Collection method: clinical testing. Allele origin: germline.
Comment: This sequence change replaces valine, which is neutral and non-polar, with methionine, which is neutral and non-polar, at codon 508 of the PLXNA2 protein (p.Val508Met). This variant is present in population databases (no rsID available, gnomAD 0.003%). This variant has not been reported in the literature in individuals affected with PLXNA2-related conditions. ClinVar contains an entry for this variant (Variation ID: 1902884). Invitae Evidence Modeling of protein sequence and biophysical properties (such as structural, functional, and spatial information, amino acid conservation, physicochemical variation, residue mobility, and thermodynamic stability) has been performed for this missense variant. However, the output from this modeling did not meet the statistical confidence thresholds required to predict the impact of this variant on PLXNA2 protein function. In summary, the available evidence is currently insufficient to determine the role of this variant in disease. Therefore, it has been classified as a Variant of Uncertain Significance.